The following is an entry in ClinVar:

NM_006158.5(NEFL):c.940G>A (p.Ala314Thr)

Gene: NEFL (neurofilament light chain; minus strand). Cytogenetic location: 8p21.2.
Variant type: single nucleotide variant.
Coding change: c.940G>A on transcript NM_006158.5 (MANE Select); coding-DNA position 940, G replaced by A.
Protein change: p.Ala314Thr; replaces alanine 314 with threonine.
Molecular consequence: missense variant.
Genome position (GRCh38, 1-based): chr8:24,955,576, C>T on the plus strand (G>A on the coding strand, the complement: NEFL is on the minus strand). VCF-style: chr8-24955576-C-T. GRCh37 (hg19) VCF-style: chr8-24813090-C-T.
Other names: short protein forms A314T.
Identifiers: ClinVar variation 1932471 (VCV001932471.5), dbSNP rs754413908, ClinGen allele CA4681413.

ClinVar aggregate classification (germline): Uncertain significance (1 of 4 stars; one submission).

Conditions:
Charcot-Marie-Tooth disease type 2E (CMT2E). Also called: CHARCOT-MARIE-TOOTH NEUROPATHY, TYPE 2E; CHARCOT-MARIE-TOOTH DISEASE, AXONAL, TYPE 2E. Identifiers: Orphanet 99939, MedGen C1843225, MONDO:0011894, OMIM 607684.

Allele frequency attached by ClinVar (database versions not stated): gnomAD exomes below 0.00001; ExAC 0.00001.
gnomAD v4.1: 1 of 1,613,742 alleles (0.000062%); highest among the groups gnomAD compares: Non-Finnish European, 0.000085%; no homozygotes.

Submission:

Labcorp Genetics (formerly Invitae), Labcorp
Classification: Uncertain significance for Charcot-Marie-Tooth disease type 2E. Last evaluated: 2022-01-23. Review status: criteria provided, single submitter. Criteria: Invitae Variant Classification Sherloc (09022015). Collection method: clinical testing. Allele origin: germline.
Comment: In summary, the available evidence is currently insufficient to determine the role of this variant in disease. Therefore, it has been classified as a Variant of Uncertain Significance. Experimental studies and prediction algorithms are not available or were not evaluated, and the functional significance of this variant is currently unknown. This variant has not been reported in the literature in individuals affected with NEFL-related conditions. This variant is present in population databases (rs754413908, gnomAD 0.0009%). This sequence change replaces alanine, which is neutral and non-polar, with threonine, which is neutral and polar, at codon 314 of the NEFL protein (p.Ala314Thr).